The following is an entry in ClinVar:

NM_001555.5(IGSF1):c.3710G>C (p.Trp1237Ser)

Gene: IGSF1 (immunoglobulin superfamily member 1; minus strand). Cytogenetic location: Xq26.1.
Variant type: single nucleotide variant.
Coding change: c.3710G>C on transcript NM_001555.5 (MANE Select); coding-DNA position 3710, G replaced by C.
Protein change: p.Trp1237Ser; replaces tryptophan 1237 with serine.
Molecular consequence: missense variant.
Genome position (GRCh38, 1-based): chrX:131,274,640, C>G on the plus strand (G>C on the coding strand, the complement: IGSF1 is on the minus strand). VCF-style: chrX-131274640-C-G. GRCh37 (hg19) VCF-style: chrX-130408614-C-G.
Other names: c.3725G>C, p.Trp1242Ser (NM_001170961.2); c.3683G>C, p.Trp1228Ser (NM_001170962.2); short protein forms W1228S, W1237S, W1242S.
Identifiers: ClinVar variation 3348449 (VCV003348449.1).
Genomic context (GRCh38, chrX:131,274,640, plus strand): 5'-GGAGAGATTATTCTCTTACCTGCTGCCCCCACCAGCTCCAGGGGATCACTAGGCTCTGAC[C>G]AGATATCAGGGTAGGCCTGGAGGCGGTAGCTGCAGCTGTAGTTTCCAATGCCTTTTCCTT-3'
Protein context (NP_001546.2, residues 1227-1247): SYRLQAYPDI[Trp1237Ser]SEPSDPLELV

ClinVar aggregate classification (germline): Uncertain significance (0 of 4 stars; one submission).

Conditions:
IGSF1-related disorder. Also called: IGSF1-related condition.

Submission:

PreventionGenetics, part of Exact Sciences
Classification: Uncertain significance for IGSF1-related condition. Last evaluated: 2024-05-14. Review status: no assertion criteria provided. Collection method: clinical testing. Allele origin: germline.
Comment: The IGSF1 c.3725G>C variant is predicted to result in the amino acid substitution p.Trp1242Ser. To our knowledge, this variant has not been reported in the literature or in a large population database, indicating this variant is rare. At this time, the clinical significance of this variant is uncertain due to the absence of conclusive functional and genetic evidence.